The following is an entry in ClinVar:

ClinVar aggregate classification (germline): Conflicting classifications of pathogenicity. Review status: criteria provided, conflicting classifications (1 of 4 stars). 10 submissions from 10 submitters: Uncertain significance (9); Likely benign (1). Last evaluated 2025-05-27.

Conditions:
Cardiovascular phenotype. Identifiers: MedGen CN230736.
Catecholaminergic polymorphic ventricular tachycardia (CVPT). Also called: Catecholamine-induced polymorphic ventricular tachycardia. Identifiers: Orphanet 3286, MedGen C5574922, MONDO:0017990.
Cardiomyopathy (CMYO). Also called: Cardiomyopathies. Identifiers: Orphanet 167848, MedGen C0878544, MONDO:0004994, HP:0001638. Inheritance: Various modes of inheritance.
Catecholaminergic polymorphic ventricular tachycardia 1. Also called: VENTRICULAR TACHYCARDIA, CATECHOLAMINERGIC POLYMORPHIC, 1, WITH OR WITHOUT ATRIAL DYSFUNCTION AND/OR DILATED CARDIOMYOPATHY; VENTRICULAR TACHYCARDIA, STRESS-INDUCED POLYMORPHIC 1; RYR2-Related Catecholaminergic Polymorphic Ventricular Tachycardia. Identifiers: Orphanet 3286, MedGen C1631597, MONDO:0011484, OMIM 604772.

Allele frequency attached by ClinVar (database versions not stated): TOPMed 0.00003.
gnomAD v4.1: 36 of 1,613,882 alleles (0.0022%); highest among the groups gnomAD compares: Non-Finnish European, 0.003%; no homozygotes.

Submissions (10):

Women's Health and Genetics/Laboratory Corporation of America, LabCorp
Classification: Uncertain significance. Last evaluated: 2025-05-27. Review status: criteria provided, single submitter. Criteria: LabCorp Variant Classification Summary - May 2015. Collection method: clinical testing. Allele origin: germline.
Comment: Variant summary: RYR2 c.4990G>T (p.Val1664Phe) results in a non-conservative amino acid change in the encoded protein sequence. Algorithms developed to predict the effect of missense changes on protein structure and function all suggest that this variant is likely to be disruptive. The variant allele was found at a frequency of 2e-05 in 248998 control chromosomes. The available data on variant occurrences in the general population are insufficient to allow any conclusion about variant significance. c.4990G>T has been observed in at least one individual affected with left ventricular noncompaction without strong evidence for causality (e.g. Mazzarotto_2021). These report(s) do not provide unequivocal conclusions about association of the variant with Catecholaminergic Polymorphic Ventricular Tachycardia. To our knowledge, no experimental evidence demonstrating an impact on protein function has been reported. The following publication has been ascertained in the context of this evaluation (PMID: 33500567). ClinVar contains an entry for this variant (Variation ID: 201253). Based on the evidence outlined above, the variant was classified as uncertain significance.

Molecular Diagnostic Laboratory for Inherited Cardiovascular Disease, Montreal Heart Institute
Classification: Uncertain significance for Cardiovascular phenotype. Last evaluated: 2025-04-09. Review status: criteria provided, single submitter. Criteria: ACMG Guidelines, 2015. Collection method: clinical testing. Allele origin: germline. Affected: yes.
Comment: PM2, PP2, PP3

Ambry Genetics
Classification: Uncertain significance for Cardiovascular phenotype. Last evaluated: 2025-01-21. Review status: criteria provided, single submitter. Criteria: Ambry Variant Classification Scheme 2023. Collection method: clinical testing. Allele origin: germline.
Comment: The p.V1664F variant (also known as c.4990G>T), located in coding exon 37 of the RYR2 gene, results from a G to T substitution at nucleotide position 4990. The valine at codon 1664 is replaced by phenylalanine, an amino acid with highly similar properties. This variant was reported in a catecholaminergic polymorphic ventricular tachycardia (CPVT) genetic testing cohort; however, clinical details were limited (Kapplinger JD et al. Circ Genom Precis Med, 2018 02;11:e001424). This amino acid position is well conserved in available vertebrate species. In addition, the in silico prediction for this alteration is inconclusive. Based on the available evidence, the clinical significance of this variant remains unclear.

Labcorp Genetics (formerly Invitae), Labcorp
Classification: Uncertain significance for Catecholaminergic polymorphic ventricular tachycardia 1. Last evaluated: 2024-11-24. Review status: criteria provided, single submitter. Criteria: Invitae Variant Classification Sherloc (09022015). Collection method: clinical testing. Allele origin: germline.
Comment: This sequence change replaces valine, which is neutral and non-polar, with phenylalanine, which is neutral and non-polar, at codon 1664 of the RYR2 protein (p.Val1664Phe). This variant is present in population databases (rs749434532, gnomAD 0.004%). This missense change has been observed in individual(s) with left ventricular non-compaction (PMID: 33500567). ClinVar contains an entry for this variant (Variation ID: 201253). Invitae Evidence Modeling of protein sequence and biophysical properties (such as structural, functional, and spatial information, amino acid conservation, physicochemical variation, residue mobility, and thermodynamic stability) indicates that this missense variant is expected to disrupt RYR2 protein function with a positive predictive value of 80%. In summary, the available evidence is currently insufficient to determine the role of this variant in disease. Therefore, it has been classified as a Variant of Uncertain Significance.

All of Us Research Program, National Institutes of Health
Classification: Uncertain significance for Catecholaminergic polymorphic ventricular tachycardia. Last evaluated: 2024-09-23. Review status: criteria provided, single submitter. Criteria: ACMG Guidelines, 2015. Collection method: clinical testing. Allele origin: germline. Inheritance: Autosomal dominant inheritance. Observed: 15 variant alleles, 15 heterozygotes.
Comment: This variant is located in the RYR2 protein. Computational prediction is inconclusive regarding the impact of this variant on protein structure and function (internally defined REVEL score threshold 0.5 < inconclusive < 0.7, PMID: 27666373). To our knowledge, functional studies have not been reported for this variant. This variant has been reported in an individual affected with catecholaminergic polymorphic ventricular tachycardia (PMID: 29453246) and in an individual with left ventricular noncompaction (PMID: 33500567). This variant has been identified in 5/248998 chromosomes in the general population by the Genome Aggregation Database (gnomAD). The available evidence is insufficient to determine the role of this variant in disease conclusively. Therefore, this variant is classified as a Variant of Uncertain Significance.

This study involves interpretation of variants in research participants for the purpose of population health screening. Participant phenotype was not available at the time of variant classification. Additional details can be found in publication PMID: 35346344, PMCID: PMC8962531

Blueprint Genetics
Classification: Likely benign. Last evaluated: 2024-05-24. Review status: criteria provided, single submitter. Criteria: ACMG Guidelines, 2015. Collection method: clinical testing. Allele origin: germline.

Color Diagnostics, LLC DBA Color Health
Classification: Uncertain significance for Cardiomyopathy. Last evaluated: 2024-05-03. Review status: criteria provided, single submitter. Criteria: ACMG Guidelines, 2015. Collection method: clinical testing. Allele origin: germline.
Comment: This variant is located in the RYR2 protein. Computational prediction is inconclusive regarding the impact of this variant on protein structure and function. To our knowledge, functional studies have not been reported for this variant. This variant has been reported in an individual affected with catecholaminergic polymorphic ventricular tachycardia (PMID: 29453246) and in an individual with left ventricular noncompaction (PMID: 33500567). This variant has been identified in 5/248998 chromosomes in the general population by the Genome Aggregation Database (gnomAD). The available evidence is insufficient to determine the role of this variant in disease conclusively. Therefore, this variant is classified as a Variant of Uncertain Significance.

Revvity Omics, Revvity
Classification: Uncertain significance. Last evaluated: 2023-01-23. Review status: criteria provided, single submitter. Criteria: ACMG Guidelines, 2015. Collection method: clinical testing. Allele origin: germline.

GeneDx
Classification: Uncertain significance. Last evaluated: 2021-06-28. Review status: criteria provided, single submitter. Criteria: GeneDx Variant Classification Process June 2021. Collection method: clinical testing. Allele origin: germline. Affected: yes.
Comment: Has not been previously published as pathogenic or benign to our knowledge; Not observed at significant frequency in large population cohorts (Lek et al., 2016); In silico analysis supports that this missense variant has a deleterious effect on protein structure/function; Not located in one of the three hot-spot regions of the RYR2 gene, where the majority of pathogenic missense variants occur (Medeiros-Domingo et al., 2009); Reported in ClinVar as a variant of uncertain significance (ClinVar Variant ID# 201253; Landrum et al., 2016); This variant is associated with the following publications: (PMID: 27535533)

Laboratory for Molecular Medicine, Mass General Brigham Personalized Medicine
Classification: Uncertain significance. Last evaluated: 2015-04-10. Review status: criteria provided, single submitter. Criteria: LMM Criteria. Collection method: clinical testing. Allele origin: germline. Observed: 2 variant alleles.
Comment: The p.Val1664Phe variant in RYR2 has not been previously identified in individua ls with cardiomyopathy, but has been identified in 1/66670 European chromosomes by the Exome Aggregation Consortium (ExAC). Comp utational prediction tools and conservation analysis suggest that this variant m ay impact the protein, though this information is not predictive enough to deter mine pathogenicity. In summary, the clinical significance of the p.Val1664Phe va riant is uncertain.

Literature cited by the submitters: PubMed 33500567 (cited by 4 submitters); PubMed 29453246 (cited by 3 submitters).

NM_001035.3(RYR2):c.4990G>T (p.Val1664Phe)

Gene: RYR2 (ryanodine receptor 2; plus strand). Cytogenetic location: 1q43.
Variant type: single nucleotide variant.
Coding change: c.4990G>T on transcript NM_001035.3 (MANE Select); coding-DNA position 4990, G replaced by T.
Protein change: p.Val1664Phe; replaces valine 1664 with phenylalanine.
Molecular consequence: missense variant.
Genome position (GRCh38, 1-based): chr1:237,614,118, G>T. VCF-style: chr1-237614118-G-T. GRCh37 (hg19) VCF-style: chr1-237777418-G-T.
Other names: p.V1664F:GTC>TTC; short protein forms V1664F.
Identifiers: ClinVar variation 201253 (VCV000201253.28), dbSNP rs749434532, ClinGen allele CA009740.